The following is an entry in ClinVar:

ClinVar aggregate classification (germline): Conflicting classifications of pathogenicity. Review status: criteria provided, conflicting classifications (1 of 4 stars). 2 submissions from 2 submitters: Uncertain significance (1); Likely benign (1). Last evaluated 2025-09-15.

Conditions:
Primary ciliary dyskinesia. Also called: Ciliary dyskinesia. Identifiers: Orphanet 244, MedGen C0008780, MONDO:0016575, HP:0012265.

Submissions (2):

Labcorp Genetics (formerly Invitae), Labcorp
Classification: Uncertain significance for Primary ciliary dyskinesia. Last evaluated: 2025-09-15. Review status: criteria provided, single submitter. Criteria: Invitae Variant Classification Sherloc (09022015). Collection method: clinical testing. Allele origin: germline.
Comment: This variant, c.2707_2757del, results in the deletion of 17 amino acid(s) of the RPGR (ORF15) protein (p.Glu903_Gly919del), but otherwise preserves the integrity of the reading frame. This variant is not present in population databases (gnomAD no frequency). This variant has not been reported in the literature in individuals affected with RPGR (ORF15)-related conditions. Experimental studies and prediction algorithms are not available or were not evaluated, and the functional significance of this variant is currently unknown. In summary, the available evidence is currently insufficient to determine the role of this variant in disease. Therefore, it has been classified as a Variant of Uncertain Significance.

CeGaT Center for Human Genetics Tuebingen
Classification: Likely benign. Last evaluated: 2023-09-01. Review status: criteria provided, single submitter. Criteria: CeGaT Center For Human Genetics Tuebingen Variant Classification Criteria Version 2. Collection method: clinical testing. Allele origin: germline. Affected: yes. Observed: 2 variant alleles.
Comment: RPGR: BP4, BS1

NM_001034853.2(RPGR):c.2656GAGGGAGAAGAGGAAGGAGAAGGGGAGGGAGAAGAGGAGGAAGGAGAAGGG[1] (p.886EGEEEGEGEGEEEEGEG[1])

Gene: RPGR (retinitis pigmentosa GTPase regulator; minus strand). Cytogenetic location: Xp11.4.
Variant type: Microsatellite.
Coding change: c.2656GAGGGAGAAGAGGAAGGAGAAGGGGAGGGAGAAGAGGAGGAAGGAGAAGGG[1] on transcript NM_001034853.2 (MANE Select); one copy of the 51-base unit GAGGGAGAAGAGGAAGGAGAAGGGGAGGGAGAAGAGGAGGAAGGAGAAGGG starting at c.2656.
Protein change: p.886EGEEEGEGEGEEEEGEG[1].
Molecular consequence: inframe deletion. On other transcripts: intron variant (8).
Genome position: GRCh38, VCF-style position (the base before the change): chrX:38,286,241. GRCh37 (hg19), VCF-style position (the base before the change): chrX:38,145,494.
Other names: c.1569+4667_1569+4717del (NM_001367249.1, NM_001367250.1); c.1902+802_1902+852del (NM_001367245.1); c.1386+4667_1386+4717del (NM_001367251.1); c.1719+802_1719+852del (NM_001367246.1); c.1572+4667_1572+4717del (NM_001367247.1); c.1905+802_1905+852del (NM_000328.3); c.1602+4667_1602+4717del (NM_001367248.1).
Identifiers: ClinVar variation 1977156 (VCV001977156.30), dbSNP rs2519787339, ClinGen allele CA2580616979.